The following is an entry in ClinVar:

NM_001943.5(DSG2):c.2897G>A (p.Arg966Lys)

Genes: DSG2 (desmoglein 2; plus strand), DSG2-AS1 (DSG2 antisense RNA 1; minus strand). Cytogenetic location: 18q12.1.
Variant type: single nucleotide variant.
Coding change: c.2897G>A on transcript NM_001943.5 (MANE Select); coding-DNA position 2897, G replaced by A.
Protein change: p.Arg966Lys; replaces arginine 966 with lysine.
Molecular consequence: missense variant.
Genome position (GRCh38, 1-based): chr18:31,546,283, G>A. VCF-style: chr18-31546283-G-A. GRCh37 (hg19) VCF-style: chr18-29126246-G-A.
Other names: short protein forms R966K.
Identifiers: ClinVar variation 5035613 (VCV005035613.1).

ClinVar aggregate classification (germline): Uncertain significance (1 of 4 stars; one submission).

Conditions:
Cardiovascular phenotype. Identifiers: MedGen CN230736.

gnomAD v4.1: 2 of 1,602,282 alleles (0.00012%); highest among the groups gnomAD compares: Non-Finnish European, 0.00017%; no homozygotes.

Submission:

Ambry Genetics
Classification: Uncertain significance for Cardiovascular phenotype. Last evaluated: 2026-07-26. Review status: criteria provided, single submitter. Criteria: Ambry Variant Classification Scheme 2023. Collection method: clinical testing. Allele origin: germline.
Comment: The p.R966K variant (also known as c.2897G>A), located in coding exon 15 of the DSG2 gene, results from a G to A substitution at nucleotide position 2897. The arginine at codon 966 is replaced by lysine, an amino acid with highly similar properties. This amino acid position is conserved. In addition, the in silico prediction for this alteration is inconclusive. Based on the available evidence, the clinical significance of this variant remains unclear.